The following is an entry in ClinVar:

NM_001844.5(COL2A1):c.376-2A>G

Gene: COL2A1 (collagen type II alpha 1 chain; minus strand). Cytogenetic location: 12q13.11.
Variant type: single nucleotide variant.
Coding change: c.376-2A>G on transcript NM_001844.5 (MANE Select); the canonical splice acceptor site of the intron before coding-DNA position 376, A replaced by G.
Molecular consequence: splice acceptor variant.
Genome position (GRCh38, 1-based): chr12:47,997,926, T>C on the plus strand (A>G on the coding strand, the complement: COL2A1 is on the minus strand). VCF-style: chr12-47997926-T-C. GRCh37 (hg19) VCF-style: chr12-48391709-T-C.
Other names: c.169-2A>G (NM_033150.3).
Identifiers: ClinVar variation 3345700 (VCV003345700.1).
Genomic context (GRCh38, chr12:47,997,926, plus strand): 5'-CTCACTTTTTCACCTTTGTCACCACGATCCCCTCTGGGTCCTTGTTCCCCTGCAGGTCCC[T>C]GAAGGTGAAGAACATGGTAAGATGACAGCAAGGCCAGGAGCCTGCAGATCAGTAACTTGC-3'

ClinVar aggregate classification (germline): Likely pathogenic (0 of 4 stars; one submission).

Conditions:
COL2A1-related disorder. Also called: COL2A1-related condition; COL2A1-related disorders.

gnomAD v4.1: 2 of 1,614,140 alleles (0.00012%); highest among the groups gnomAD compares: Non-Finnish European, 0.000085%; no homozygotes.

Submission:

PreventionGenetics, part of Exact Sciences
Classification: Likely pathogenic for COL2A1-related condition. Last evaluated: 2024-07-10. Review status: no assertion criteria provided. Collection method: clinical testing. Allele origin: germline.
Comment: The COL2A1 c.376-2A>G variant is predicted to disrupt the AG splice acceptor site and interfere with normal splicing. To our knowledge, this variant has not been reported in the literature or in a large population database, indicating this variant is rare. Variants that disrupt consensus splice acceptor sites in COL2A1 are expected to be pathogenic. This variant is interpreted as likely pathogenic.